The following is an entry in ClinVar:

NM_005751.5(AKAP9):c.5894A>C (p.Glu1965Ala)

Gene: AKAP9 (A-kinase anchoring protein 9; plus strand). Cytogenetic location: 7q21.2.
Variant type: single nucleotide variant.
Coding change: c.5894A>C on transcript NM_005751.5 (MANE Select); coding-DNA position 5894, A replaced by C.
Protein change: p.Glu1965Ala; replaces glutamic acid 1965 with alanine.
Molecular consequence: missense variant.
Genome position (GRCh38, 1-based): chr7:92,062,403, A>C. VCF-style: chr7-92062403-A-C. GRCh37 (hg19) VCF-style: chr7-91691717-A-C.
Other names: c.539A>C, p.Glu180Ala (NM_001379277.1); c.5894A>C, p.Glu1965Ala (NM_147185.3); short protein forms E1965A, E180A.
Identifiers: ClinVar variation 4691380 (VCV004691380.1).

ClinVar aggregate classification (germline): Uncertain significance (1 of 4 stars; one submission).

Conditions:
Long QT syndrome (LQTS). Identifiers: MedGen C0023976, MeSH D008133, MONDO:0002442. Disease mechanism: loss of function. Inheritance: Various modes of inheritance.

Submission:

Labcorp Genetics (formerly Invitae), Labcorp
Classification: Uncertain significance for Long QT syndrome. Last evaluated: 2025-04-24. Review status: criteria provided, single submitter. Criteria: Invitae Variant Classification Sherloc (09022015). Collection method: clinical testing. Allele origin: germline.
Comment: This sequence change replaces glutamic acid, which is acidic and polar, with alanine, which is neutral and non-polar, at codon 1965 of the AKAP9 protein (p.Glu1965Ala). This variant is not present in population databases (gnomAD no frequency). This variant has not been reported in the literature in individuals affected with AKAP9-related conditions. An algorithm developed to predict the effect of missense changes on protein structure and function (PolyPhen-2) suggests that this variant is likely to be tolerated. In summary, the available evidence is currently insufficient to determine the role of this variant in disease. Therefore, it has been classified as a Variant of Uncertain Significance.